The following is an entry in ClinVar:

ClinVar aggregate classification (germline): Uncertain significance (1 of 4 stars; one submission).

Conditions:
Beckwith-Wiedemann syndrome (BWS). Also called: EMG SYNDROME; Exomphalos macroglossia gigantism syndrome. Identifiers: Orphanet 116, MedGen C0004903, MONDO:0007534, OMIM 130650.

Submission:

Labcorp Genetics (formerly Invitae), Labcorp
Classification: Uncertain significance for Beckwith-Wiedemann syndrome. Last evaluated: 2025-11-05. Review status: criteria provided, single submitter. Criteria: Invitae Variant Classification Sherloc (09022015). Collection method: clinical testing. Allele origin: germline.
Comment: This sequence change replaces proline, which is neutral and non-polar, with serine, which is neutral and polar, at codon 160 of the CDKN1C protein (p.Pro160Ser). This variant is not present in population databases (gnomAD no frequency). This variant has not been reported in the literature in individuals affected with CDKN1C-related conditions. ClinVar contains an entry for this variant (Variation ID: 1447667). Invitae Evidence Modeling of protein sequence and biophysical properties (such as structural, functional, and spatial information, amino acid conservation, physicochemical variation, residue mobility, and thermodynamic stability) indicates that this missense variant is not expected to disrupt CDKN1C protein function with a negative predictive value of 80%. In summary, the available evidence is currently insufficient to determine the role of this variant in disease. Therefore, it has been classified as a Variant of Uncertain Significance.

NM_001122630.2(CDKN1C):c.445C>T (p.Pro149Ser)

Gene: CDKN1C (cyclin dependent kinase inhibitor 1C; minus strand). Cytogenetic location: 11p15.4.
Variant type: single nucleotide variant.
Coding change: c.445C>T on transcript NM_001122630.2 (MANE Select); coding-DNA position 445, C replaced by T.
Protein change: p.Pro149Ser; replaces proline 149 with serine.
Molecular consequence: missense variant. On other transcripts: intron variant (1).
Genome position (GRCh38, 1-based): chr11:2,885,012, G>A on the plus strand (C>T on the coding strand, the complement: CDKN1C is on the minus strand). VCF-style: chr11-2885012-G-A. GRCh37 (hg19) VCF-style: chr11-2906242-G-A.
Other names: c.478C>T, p.Pro160Ser (NM_000076.2, NM_001362474.2); c.445C>T, p.Pro149Ser (NM_001122631.2); c.255+190C>T (NM_001362475.2); short protein forms P160S, P149S.
Identifiers: ClinVar variation 1447667 (VCV001447667.6), dbSNP rs2133784532, ClinGen allele CA379146621.